The following is an entry in ClinVar:

ClinVar aggregate classification (germline): Uncertain significance. Review status: criteria provided, multiple submitters, no conflicts (2 of 4 stars). 2 submissions from 2 submitters: Uncertain significance (2). Last evaluated 2022-07-11.

Allele frequency attached by ClinVar (database versions not stated): TOPMed below 0.00001; ExAC 0.00001; gnomAD 0.00001; gnomAD exomes 0.00001.
gnomAD v4.1: 15 of 1,613,756 alleles (0.00093%); highest among the groups gnomAD compares: Middle Eastern, 0.016%; no homozygotes.

Submissions (2):

Labcorp Genetics (formerly Invitae), Labcorp
Classification: Uncertain significance. Last evaluated: 2022-07-11. Review status: criteria provided, single submitter. Criteria: Invitae Variant Classification Sherloc (09022015). Collection method: clinical testing. Allele origin: germline.
Comment: This missense change has been observed in individual(s) with clinical features of VPS13C-related conditions (PMID: 33579389). This variant is present in population databases (rs757188811, gnomAD 0.003%). This sequence change replaces methionine, which is neutral and non-polar, with isoleucine, which is neutral and non-polar, at codon 2711 of the VPS13C protein (p.Met2711Ile). ClinVar contains an entry for this variant (Variation ID: 1432764). In summary, the available evidence is currently insufficient to determine the role of this variant in disease. Therefore, it has been classified as a Variant of Uncertain Significance. Algorithms developed to predict the effect of missense changes on protein structure and function output the following: SIFT: "Tolerated"; PolyPhen-2: "Benign"; Align-GVGD: "Class C0". The isoleucine amino acid residue is found in multiple mammalian species, which suggests that this missense change does not adversely affect protein function.

Breakthrough Genomics
Classification: Uncertain significance. Review status: criteria provided, single submitter. Criteria: ACMG Guidelines, 2015. Collection method: not provided. Allele origin: germline. Inheritance: Autosomal recessive inheritance. Affected: yes.

Literature cited by the submitters: PubMed 33579389 (cited by Labcorp Genetics (formerly Invitae), Labcorp).

NM_020821.3(VPS13C):c.8133G>A (p.Met2711Ile)

Gene: VPS13C (vacuolar protein sorting 13 homolog C; minus strand). Cytogenetic location: 15q22.2.
Variant type: single nucleotide variant.
Coding change: c.8133G>A on transcript NM_020821.3 (MANE Select); coding-DNA position 8133, G replaced by A.
Protein change: p.Met2711Ile; replaces methionine 2711 with isoleucine.
Molecular consequence: missense variant.
Genome position (GRCh38, 1-based): chr15:61,915,945, C>T on the plus strand (G>A on the coding strand, the complement: VPS13C is on the minus strand). VCF-style: chr15-61915945-C-T. GRCh37 (hg19) VCF-style: chr15-62208144-C-T.
Other names: c.8133G>A, p.Met2711Ile (NM_001018088.3); c.8004G>A, p.Met2668Ile (NM_017684.5, NM_018080.4); short protein forms M2711I, M2668I.
Identifiers: ClinVar variation 1432764 (VCV001432764.9), dbSNP rs757188811, ClinGen allele CA7595069.
Genomic context (GRCh38, chr15:61,915,945, plus strand): 5'-ATCACGTATGCGGAAATGTCCATTCCAGTTTTTGCCCTGGTATTTCACCAGGACTAATTC[C>T]ATTATTTCACCACTGATTCTCGAATGCAGAACATCAGCAGTACTGCCTTCTGCCAGCTCA-3'
Protein context (NP_065872.1, residues 2701-2721): VLHSRISGEI[Met2711Ile]ELVLVKYQGK